The following is an entry in ClinVar:

ClinVar aggregate classification (germline): Uncertain significance. Review status: criteria provided, multiple submitters, no conflicts (2 of 4 stars). 2 submissions from 2 submitters: Uncertain significance (2). Last evaluated 2025-10-02.

Conditions:
Inborn genetic diseases. Identifiers: MedGen C0950123, MeSH D030342.

Allele frequency attached by ClinVar (database versions not stated): ExAC 0.00007; TOPMed 0.00008; gnomAD 0.00010; ESP Exome Variant Server 0.00015.
gnomAD v4.1: 30 of 1,612,658 alleles (0.0019%); highest among the groups gnomAD compares: African/African-American, 0.035%; no homozygotes.

Submissions (2):

Labcorp Genetics (formerly Invitae), Labcorp
Classification: Uncertain significance. Last evaluated: 2025-10-02. Review status: criteria provided, single submitter. Criteria: Invitae Variant Classification Sherloc (09022015). Collection method: clinical testing. Allele origin: germline.
Comment: This sequence change replaces proline, which is neutral and non-polar, with serine, which is neutral and polar, at codon 19 of the COX15 protein (p.Pro19Ser). This variant is present in population databases (rs145528678, gnomAD 0.06%). This variant has not been reported in the literature in individuals affected with COX15-related conditions. ClinVar contains an entry for this variant (Variation ID: 2141403). An algorithm developed to predict the effect of missense changes on protein structure and function (PolyPhen-2) suggests that this variant is likely to be tolerated. In summary, the available evidence is currently insufficient to determine the role of this variant in disease. Therefore, it has been classified as a Variant of Uncertain Significance.

Ambry Genetics
Classification: Uncertain significance for Inborn genetic diseases. Last evaluated: 2025-01-08. Review status: criteria provided, single submitter. Criteria: Ambry Variant Classification Scheme 2023. Collection method: clinical testing. Allele origin: germline.

NM_078470.6(COX15):c.55C>T (p.Pro19Ser)

Genes: COX15 (cytochrome c oxidase assembly factor COX15; minus strand), LOC130004506 (ATAC-STARR-seq lymphoblastoid active region 3872; plus strand). Cytogenetic location: 10q24.2.
Variant type: single nucleotide variant.
Coding change: c.55C>T on transcript NM_078470.6 (MANE Select); coding-DNA position 55, C replaced by T.
Protein change: p.Pro19Ser; replaces proline 19 with serine.
Molecular consequence: missense variant. On other transcripts: 5 prime UTR variant (1), non-coding transcript variant (1).
Genome position (GRCh38, 1-based): chr10:99,731,995, G>A on the plus strand (C>T on the coding strand, the complement: COX15 is on the minus strand). VCF-style: chr10-99731995-G-A. GRCh37 (hg19) VCF-style: chr10-101491752-G-A.
Other names: c.55C>T, p.Pro19Ser (NM_001320974.2, NM_001320975.2, NM_001372024.1 and 5 more transcripts); c.-400C>T (NM_001320976.2); short protein forms P19S.
Identifiers: ClinVar variation 2141403 (VCV002141403.3), dbSNP rs145528678, ClinGen allele CA5642388.